The following is an entry in ClinVar:

ClinVar aggregate classification (germline): Likely pathogenic (1 of 4 stars; one submission).

Conditions:
Pierpont syndrome (PRPTS). Identifiers: Orphanet 487825, MedGen C1865644, MONDO:0011213, OMIM 602342.
Intellectual developmental disorder, autosomal dominant 41. Also called: Intellectual disability, autosomal dominant 41. Identifiers: Orphanet 2823, MedGen C4310784, MONDO:0014842, OMIM 616944.

Submission:

Juno Genomics, Hangzhou Juno Genomics, Inc
Classification: Likely pathogenic for Intellectual developmental disorder, autosomal dominant 41; Pierpont syndrome. Review status: criteria provided, single submitter. Criteria: ACMG Guidelines, 2015. Collection method: clinical testing. Allele origin: germline. Affected: yes.
Comment: Absent from controls (or at extremely low frequency if recessive) in Genome Aggregation Database, Exome Sequencing Project, 1000 Genomes Project, or Exome Aggregation Consortium.;Null variant in a gene where loss of function (LOF) is a known mechanism of disease.

NM_024665.7(TBL1XR1):c.361C>T (p.Gln121Ter)

Gene: TBL1XR1 (TBL1X/Y related 1; minus strand). Cytogenetic location: 3q26.32.
Variant type: single nucleotide variant.
Coding change: c.361C>T on transcript NM_024665.7 (MANE Select); coding-DNA position 361, C replaced by T.
Protein change: p.Gln121Ter; replaces glutamine 121 with a stop codon.
Molecular consequence: nonsense.
Genome position (GRCh38, 1-based): chr3:177,051,570, G>A on the plus strand (C>T on the coding strand, the complement: TBL1XR1 is on the minus strand). VCF-style: chr3-177051570-G-A. GRCh37 (hg19) VCF-style: chr3-176769358-G-A.
Other names: c.361C>T, p.Gln121Ter (NM_001321193.3, NM_001321194.3, NM_001374327.1 and 2 more transcripts); c.100C>T, p.Gln34Ter (NM_001321195.3, NM_001374330.1); short protein forms Q121*, Q34*.
Identifiers: ClinVar variation 4796529 (VCV004796529.1).
Genomic context (GRCh38, chr3:177,051,570, plus strand): 5'-TAGTATGTGCTCCATTCTCCTCCCCATTTGCTGTGTTTTCTCCATTTTTTGCAGATCCTT[G>A]TTGGCTGGCTGCAGCTGCGGCAGCTGCAGCAGCTGCTGCCTGTTGCTGTGCAAGCTTATC-3'